The following is an entry in ClinVar:

NM_015602.4(TOR1AIP1):c.271C>T (p.Arg91Trp)

Genes: TOR1AIP1 (torsin 1A interacting protein 1; plus strand), LOC112577517 (Sharpr-MPRA regulatory region 13766; plus strand). Cytogenetic location: 1q25.2.
Variant type: single nucleotide variant.
Coding change: c.271C>T on transcript NM_015602.4 (MANE Select); coding-DNA position 271, C replaced by T.
Protein change: p.Arg91Trp; replaces arginine 91 with tryptophan.
Molecular consequence: missense variant.
Genome position (GRCh38, 1-based): chr1:179,882,773, C>T. VCF-style: chr1-179882773-C-T. GRCh37 (hg19) VCF-style: chr1-179851908-C-T.
Other names: c.271C>T, p.Arg91Trp (NM_001267578.2); c.271C>T (NM_015602.2); short protein forms R91W.
Identifiers: ClinVar variation 2149321 (VCV002149321.2), dbSNP rs759583089, ClinGen allele CA1268700.
Genomic context (GRCh38, chr1:179,882,773, plus strand): 5'-GAGCCCCTGGTGGCCAAAGAAAGGTCCCCGGTGGGAAAACGAACCCGGCTAGAAGAGTTC[C>T]GGTCCGATTCTGCGAAAGAGGAAGTGAGAGAAAGCGCGTACTACCTTCGGTCTAGGCAGC-3'
Protein context (NP_056417.2, residues 81-101): VGKRTRLEEF[Arg91Trp]SDSAKEEVRE

ClinVar aggregate classification (germline): Uncertain significance. Review status: criteria provided, multiple submitters, no conflicts (2 of 4 stars). 2 submissions from 2 submitters: Uncertain significance (2). Last evaluated 2024-10-04.

Conditions:
Autosomal recessive limb-girdle muscular dystrophy type 2Y (MRRSDC). Also called: Muscular dystrophy, autosomal recessive, with rigid spine and distal joint contractures; Muscular dystrophy, limb-girdle, type 2y. Identifiers: Orphanet 424261, MedGen C4511482, MONDO:0014900, OMIM 617072.
Inborn genetic diseases. Identifiers: MedGen C0950123, MeSH D030342.

Allele frequency attached by ClinVar (database versions not stated): ExAC 0.00001; gnomAD exomes 0.00002.
gnomAD v4.1: 10 of 1,614,188 alleles (0.00062%); highest among the groups gnomAD compares: Non-Finnish European, 0.00076%; no homozygotes.

Submissions (2):

Ambry Genetics
Classification: Uncertain significance for Inborn genetic diseases. Last evaluated: 2024-10-04. Review status: criteria provided, single submitter. Criteria: Ambry Variant Classification Scheme 2023. Collection method: clinical testing. Allele origin: germline.

Labcorp Genetics (formerly Invitae), Labcorp
Classification: Uncertain significance for Autosomal recessive limb-girdle muscular dystrophy type 2Y. Last evaluated: 2022-01-03. Review status: criteria provided, single submitter. Criteria: Invitae Variant Classification Sherloc (09022015). Collection method: clinical testing. Allele origin: germline.
Comment: This sequence change replaces arginine, which is basic and polar, with tryptophan, which is neutral and slightly polar, at codon 91 of the TOR1AIP1 protein (p.Arg91Trp). This variant is present in population databases (rs759583089, gnomAD 0.002%). This variant has not been reported in the literature in individuals affected with TOR1AIP1-related conditions. Algorithms developed to predict the effect of missense changes on protein structure and function are either unavailable or do not agree on the potential impact of this missense change (SIFT: "Deleterious"; PolyPhen-2: "Probably Damaging"; Align-GVGD: "Class C0"). In summary, the available evidence is currently insufficient to determine the role of this variant in disease. Therefore, it has been classified as a Variant of Uncertain Significance.